The following is an entry in ClinVar:

NM_015702.3(MMADHC):c.154+1G>C

Gene: MMADHC (metabolism of cobalamin associated D; minus strand). Cytogenetic location: 2q23.2.
Variant type: single nucleotide variant.
Coding change: c.154+1G>C on transcript NM_015702.3 (MANE Select); the canonical splice donor site of the intron after coding-DNA position 154, G replaced by C.
Molecular consequence: splice donor variant.
Genome position (GRCh38, 1-based): chr2:149,582,126, C>G on the plus strand (G>C on the coding strand, the complement: MMADHC is on the minus strand). VCF-style: chr2-149582126-C-G. GRCh37 (hg19) VCF-style: chr2-150438640-C-G.
Identifiers: ClinVar variation 1472607 (VCV001472607.8), dbSNP rs1385597423, ClinGen allele CA348870964.

ClinVar aggregate classification (germline): Likely pathogenic (1 of 4 stars; one submission).

Conditions:
Methylmalonic aciduria and homocystinuria type cblD (MAHCD). Also called: Methylmalonic aciduria with homocystinuria cblD type; METHYLMALONIC ACIDEMIA, cblH TYPE. Identifiers: Orphanet 622, Orphanet 79283, MedGen C1848552, MONDO:0010185, OMIM 277410.

gnomAD v4.1: 1 of 1,613,758 alleles (0.000062%); highest among the groups gnomAD compares: South Asian, 0.0011%; no homozygotes.

Submission:

Labcorp Genetics (formerly Invitae), Labcorp
Classification: Likely pathogenic for Methylmalonic aciduria and homocystinuria type cblD. Last evaluated: 2021-04-30. Review status: criteria provided, single submitter. Criteria: Invitae Variant Classification Sherloc (09022015). Collection method: clinical testing. Allele origin: germline.
Comment: This sequence change affects a donor splice site in intron 3 of the MMADHC gene. It is expected to disrupt RNA splicing. Variants that disrupt the donor or acceptor splice site typically lead to a loss of protein function (PMID: 16199547), and loss-of-function variants in MMADHC are known to be pathogenic (PMID: 18385497). In summary, the currently available evidence indicates that the variant is pathogenic, but additional data are needed to prove that conclusively. Therefore, this variant has been classified as Likely Pathogenic. Algorithms developed to predict the effect of sequence changes on RNA splicing suggest that this variant may disrupt the consensus splice site, but this prediction has not been confirmed by published transcriptional studies. This variant has not been reported in the literature in individuals with MMADHC-related conditions. This variant is not present in population databases (ExAC no frequency).

Literature cited by the submitters: PubMed 16199547; PubMed 18385497.